The following is an entry in ClinVar:

ClinVar aggregate classification (germline): Uncertain significance. Review status: criteria provided, multiple submitters, no conflicts (2 of 4 stars). 5 submissions from 5 submitters: Uncertain significance (4). 1 of the submissions does not count toward it. Last evaluated 2025-06-01.

Conditions:
Hereditary cancer-predisposing syndrome. Also called: Neoplastic Syndromes, Hereditary; Hereditary Cancer Syndrome; Hereditary neoplastic syndrome; Tumor predisposition. Identifiers: Orphanet 140162, MedGen C0027672, MeSH D009386, MONDO:0015356.
RET-related disorder. Also called: RET-related disorders; RET-related condition; RET-related disease.
Multiple endocrine neoplasia, type 2 (MEN2). Identifiers: Orphanet 653, MedGen C4048306, MONDO:0019003. Disease mechanism: gain of function.

Submissions (5):

Labcorp Genetics (formerly Invitae), Labcorp
Classification: Uncertain significance for Multiple endocrine neoplasia, type 2. Last evaluated: 2025-06-01. Review status: criteria provided, single submitter. Criteria: Invitae Variant Classification Sherloc (09022015). Collection method: clinical testing. Allele origin: germline.
Comment: This sequence change replaces phenylalanine, which is neutral and non-polar, with leucine, which is neutral and non-polar, at codon 433 of the RET protein (p.Phe433Leu). This variant is not present in population databases (gnomAD no frequency). This variant has not been reported in the literature in individuals affected with RET-related conditions. ClinVar contains an entry for this variant (Variation ID: 543743). An algorithm developed to predict the effect of missense changes on protein structure and function outputs the following: PolyPhen-2: "Benign". The leucine amino acid residue is found in multiple mammalian species, which suggests that this missense change does not adversely affect protein function. In summary, the available evidence is currently insufficient to determine the role of this variant in disease. Therefore, it has been classified as a Variant of Uncertain Significance.

GeneDx
Classification: Uncertain significance. Last evaluated: 2024-04-16. Review status: criteria provided, single submitter. Criteria: GeneDx Variant Classification Process June 2021. Collection method: clinical testing. Allele origin: germline. Affected: yes.
Comment: Not observed at significant frequency in large population cohorts (gnomAD); In silico analysis indicates that this missense variant does not alter protein structure/function; Has not been previously published as pathogenic or benign to our knowledge; This variant is associated with the following publications: (PMID: 14633923)

Ambry Genetics
Classification: Uncertain significance for Hereditary cancer-predisposing syndrome. Last evaluated: 2023-04-07. Review status: criteria provided, single submitter. Criteria: Ambry Variant Classification Scheme 2023. Collection method: clinical testing. Allele origin: germline.
Comment: The p.F433L variant (also known as c.1299C>G), located in coding exon 7 of the RET gene, results from a C to G substitution at nucleotide position 1299. The phenylalanine at codon 433 is replaced by leucine, an amino acid with highly similar properties. This amino acid position is well conserved in available vertebrate species. In addition, this alteration is predicted to be tolerated by in silico analysis. Since supporting evidence is limited at this time, the clinical significance of this alteration remains unclear.

All of Us Research Program, National Institutes of Health
Classification: Uncertain significance for Multiple endocrine neoplasia, type 2. Last evaluated: 2023-02-24. Review status: criteria provided, single submitter. Criteria: ACMG Guidelines, 2015. Collection method: clinical testing. Allele origin: germline. Inheritance: Autosomal dominant inheritance. Observed: 1 variant allele, 1 heterozygote.
Comment: This missense variant replaces phenylalanine with leucine at codon 433 of the RET protein. Computational prediction suggests that this variant may not impact protein structure and function (internally defined REVEL score threshold <= 0.5, PMID: 27666373). To our knowledge, functional studies have not been reported for this variant. This variant has not been reported in individuals affected with RET-related disorders in the literature. This variant has not been identified in the general population by the Genome Aggregation Database (gnomAD). The available evidence is insufficient to determine the role of this variant in disease conclusively. Therefore, this variant is classified as a Variant of Uncertain Significance.

This study involves interpretation of variants in research participants for the purpose of population health screening. Participant phenotype was not available at the time of variant classification. Additional details can be found in publication PMID: 35346344, PMCID: PMC8962531

PreventionGenetics, part of Exact Sciences
Classification: Uncertain significance for RET-related condition. Last evaluated: 2024-03-29. Review status: no assertion criteria provided. Collection method: clinical testing. Allele origin: germline. Not counted in ClinVar's aggregate classification.
Comment: The RET c.1299C>G variant is predicted to result in the amino acid substitution p.Phe433Leu. To our knowledge, this variant has not been reported in the literature or in a large population database, indicating this variant is rare. At this time, the clinical significance of this variant is uncertain due to the absence of conclusive functional and genetic evidence.

NM_020975.6(RET):c.1299C>G (p.Phe433Leu)

Gene: RET (ret proto-oncogene; plus strand). Cytogenetic location: 10q11.21.
Variant type: single nucleotide variant.
Coding change: c.1299C>G on transcript NM_020975.6 (MANE Select); coding-DNA position 1299, C replaced by G.
Protein change: p.Phe433Leu; replaces phenylalanine 433 with leucine.
Molecular consequence: missense variant.
Genome position (GRCh38, 1-based): chr10:43,111,242, C>G. VCF-style: chr10-43111242-C-G. GRCh37 (hg19) VCF-style: chr10-43606690-C-G.
Other names: c.1299C>G, p.Phe433Leu (NM_000323.2, NM_001406743.1, NM_001406744.1 and 6 more transcripts); c.537C>G, p.Phe179Leu (NM_001355216.2); c.1170C>G, p.Phe390Leu (NM_001406761.1, NM_001406762.1, NM_001406764.1 and 1 more transcripts); c.1011C>G, p.Phe337Leu (NM_001406766.1, NM_001406767.1, NM_001406770.1); c.903C>G, p.Phe301Leu (NM_001406769.1, NM_001406772.1); c.861C>G, p.Phe287Leu (NM_001406771.1, NM_001406773.1); c.774C>G, p.Phe258Leu (NM_001406774.1); c.573C>G, p.Phe191Leu (NM_001406775.1, NM_001406776.1, NM_001406777.1 and 1 more transcripts); and 1 more; short protein forms F433L, F179L, F258L, F287L, F337L, F301L, F103L, F191L.
Identifiers: ClinVar variation 543743 (VCV000543743.16), dbSNP rs1554818526, ClinGen allele CA376548939.